The following is an entry in ClinVar:

ClinVar aggregate classification (germline): Uncertain significance (1 of 4 stars; one submission).

Submission:

Women's Health and Genetics/Laboratory Corporation of America, LabCorp
Classification: Uncertain significance. Last evaluated: 2025-10-24. Review status: criteria provided, single submitter. Criteria: LabCorp Variant Classification Summary - May 2015. Collection method: clinical testing. Allele origin: germline.
Comment: Variant summary: SLC12A3 c.333C>A (p.His111Gln) results in a non-conservative amino acid change in the encoded protein sequence. Algorithms developed to predict the effect of missense changes on protein structure and function are either unavailable or do not agree on the potential impact of this missense change. The variant was absent in 250616 control chromosomes. The available data on variant occurrences in the general population are insufficient to allow any conclusion about variant significance. To our knowledge, no occurrence of c.333C>A in individuals affected with SLC12A3-related conditions and no experimental evidence demonstrating its impact on protein function have been reported. No submitters have cited clinical-significance assessments for this variant to ClinVar. Based on the evidence outlined above, the variant was classified as uncertain significance.

NM_001126108.2(SLC12A3):c.333C>A (p.His111Gln)

Gene: SLC12A3 (solute carrier family 12 member 3; plus strand). Cytogenetic location: 16q13.
Variant type: single nucleotide variant.
Coding change: c.333C>A on transcript NM_001126108.2 (MANE Select); coding-DNA position 333, C replaced by A.
Protein change: p.His111Gln; replaces histidine 111 with glutamine.
Molecular consequence: missense variant.
Genome position (GRCh38, 1-based): chr16:56,867,120, C>A. VCF-style: chr16-56867120-C-A. GRCh37 (hg19) VCF-style: chr16-56901032-C-A.
Other names: c.333C>A, p.His111Gln (NM_000339.3); c.330C>A, p.His110Gln (NM_001126107.2, NM_001410896.1); short protein forms H110Q, H111Q.
Identifiers: ClinVar variation 4687783 (VCV004687783.1).